The following is an entry in ClinVar:

ClinVar aggregate classification (germline): Pathogenic/Likely pathogenic. Review status: criteria provided, multiple submitters, no conflicts (2 of 4 stars). 4 submissions from 4 submitters: Pathogenic (1); Likely pathogenic (2). 1 of the submissions does not count toward it. Last evaluated 2024-06-15.

Conditions:
Pili torti-deafness syndrome (BJS). Also called: Bjornstad syndrome; PILI TORTI AND NERVE DEAFNESS. Identifiers: Orphanet 123, MedGen C0266006, MONDO:0009872, OMIM 262000.
GRACILE syndrome (FLNMS). Also called: FELLMAN SYNDROME; FINNISH LETHAL NEONATAL METABOLIC SYNDROME. Identifiers: Orphanet 53693, MedGen C1864002, MONDO:0011308, OMIM 603358.
Mitochondrial complex III deficiency nuclear type 1. Identifiers: Orphanet 254902, MedGen C3541471, MONDO:0007415, OMIM 124000.

Allele frequency attached by ClinVar (database versions not stated): gnomAD exomes below 0.00001.

Submissions (4):

Fulgent Genetics
Classification: Likely pathogenic for Mitochondrial complex III deficiency nuclear type 1; Pili torti-deafness syndrome; GRACILE syndrome. Last evaluated: 2024-06-15. Review status: criteria provided, single submitter. Criteria: ACMG Guidelines, 2015. Collection method: clinical testing. Allele origin: germline.

Baylor Genetics
Classification: Likely pathogenic for Pili torti-deafness syndrome. Last evaluated: 2024-03-18. Review status: criteria provided, single submitter. Criteria: ACMG Guidelines, 2015. Collection method: clinical testing. Allele origin: unknown.

Labcorp Genetics (formerly Invitae), Labcorp
Classification: Pathogenic. Last evaluated: 2022-11-10. Review status: criteria provided, single submitter. Criteria: Invitae Variant Classification Sherloc (09022015). Collection method: clinical testing. Allele origin: germline.
Comment: For these reasons, this variant has been classified as Pathogenic. ClinVar contains an entry for this variant (Variation ID: 557160). This variant has not been reported in the literature in individuals affected with BCS1L-related conditions. This variant is not present in population databases (gnomAD no frequency). This sequence change creates a premature translational stop signal (p.Asp125Argfs*19) in the BCS1L gene. It is expected to result in an absent or disrupted protein product. Loss-of-function variants in BCS1L are known to be pathogenic (PMID: 12215968, 17314340, 19162478, 19508421, 22277166, 25895478).

Counsyl
Classification: Likely pathogenic for GRACILE syndrome. Last evaluated: 2018-03-05. Review status: no assertion criteria provided. Collection method: clinical testing. Allele origin: unknown. Not counted in ClinVar's aggregate classification.

Literature cited by the submitters: PubMed 12215968 (cited by Labcorp Genetics (formerly Invitae), Labcorp); PubMed 17314340 (cited by Labcorp Genetics (formerly Invitae), Labcorp); PubMed 19162478 (cited by Labcorp Genetics (formerly Invitae), Labcorp); PubMed 19508421 (cited by Labcorp Genetics (formerly Invitae), Labcorp); PubMed 22277166 (cited by Labcorp Genetics (formerly Invitae), Labcorp); PubMed 25895478 (cited by Labcorp Genetics (formerly Invitae), Labcorp).

NM_001079866.2(BCS1L):c.372dup (p.Asp125fs)

Gene: BCS1L (BCS1 ubiquinol-cytochrome c reductase complex chaperone; plus strand). Cytogenetic location: 2q35.
Variant type: Duplication.
Coding change: c.372dup on transcript NM_001079866.2 (MANE Select); coding-DNA position 372, one base duplicated (A; older notation c.372dupA).
Protein change: p.Asp125fs; shifts the reading frame from aspartic acid 125.
Molecular consequence: frameshift variant. On other transcripts: 5 prime UTR variant (5), non-coding transcript variant (1), intron variant (1).
Genome position (GRCh38, 1-based): chr2:218,661,457, A duplicated. VCF-style (leftmost placement, unchanged base first): chr2-218661456-T-TA. GRCh37 (hg19) VCF-style: chr2-219526179-T-TA.
Other names: c.372dup, p.Asp125fs (NM_001257342.2, NM_001257343.2, NM_001257344.2 and 10 more transcripts); c.12dup, p.Asp5fs (NM_001318836.2, NM_001371451.1); c.-105dup (NM_001371453.1, NM_001371454.1, NM_001371455.1 and 2 more transcripts); c.-41-302dup (NM_001371452.1); c.372dupA (NM_004328.4); short protein forms D125fs, D5fs.
Identifiers: ClinVar variation 557160 (VCV000557160.7), dbSNP rs1553596638, ClinGen allele CA658822537.